The following is an entry in ClinVar:

NM_024577.4(SH3TC2):c.*12550A>G

Gene: SH3TC2 (SH3 domain and tetratricopeptide repeats 2; minus strand). Cytogenetic location: 5q32.
Variant type: single nucleotide variant.
Coding change: c.*12550A>G on transcript NM_024577.4 (MANE Select); 12550 bases downstream of the stop codon, A replaced by G.
Molecular consequence: 3 prime UTR variant.
Genome position (GRCh38, 1-based): chr5:148,992,161, T>C on the plus strand (A>G on the coding strand, the complement: SH3TC2 is on the minus strand). VCF-style: chr5-148992161-T-C. GRCh37 (hg19) VCF-style: chr5-148371724-T-C.
Identifiers: ClinVar variation 905795 (VCV000905795.4), dbSNP rs137953180, ClinGen allele CA128988018.
Genomic context (GRCh38, chr5:148,992,161, plus strand): 5'-ACTAGGTAATAAGAGGTAACAATTGAACATTTAGCTGTTTCATCCAACAGCCCTATGAAG[T>C]TGATATCATTAATACTTCCATATTACAGATGCAGAAATGGAGGCCCAGAATGGTTAAGTG-3'

ClinVar aggregate classification (germline): Likely benign. Review status: criteria provided, single submitter (1 of 4 stars). 2 submissions from 1 submitter: Likely benign (2). Last evaluated 2018-01-12.

Conditions:
Susceptibility to mononeuropathy of the median nerve, mild. Also called: CARPAL TUNNEL SYNDROME, SUSCEPTIBILITY TO. Identifiers: MedGen C3150596, MONDO:0013237, OMIM 613353.
Charcot-Marie-Tooth disease type 4C (CMT4C). Also called: CHARCOT-MARIE-TOOTH DISEASE, DEMYELINATING, TYPE 4C; SH3TC2-Related Hereditary Motor and Sensory Neuropathy; Charcot-Marie-Tooth Neuropathy Type 4C (CMT4C); CHARCOT-MARIE-TOOTH DISEASE, DEMYELINATING, AUTOSOMAL RECESSIVE, TYPE 4C; CMT 4C. Identifiers: Orphanet 99949, MedGen C1866636, MONDO:0011113, OMIM 601596.

Allele frequency attached by ClinVar (database versions not stated): 1000 Genomes Project 0.00280; TOPMed 0.00301; gnomAD 0.00311 and 0.00330; 1000 Genomes Project 30x 0.00375.
gnomAD v4.1: 470 of 152,330 alleles (0.31%); highest among the groups gnomAD compares: African/African-American, 1.1%; 4 homozygotes.

Submissions (2):

Illumina Laboratory Services, Illumina
Classification: Likely benign for Charcot-Marie-Tooth disease type 4C. Last evaluated: 2018-01-12. Review status: criteria provided, single submitter. Criteria: ICSL Variant Classification Criteria 13 December 2019. Collection method: clinical testing. Allele origin: germline.
Comment: This variant was observed in the ICSL laboratory as part of a predisposition screen in an ostensibly healthy population. It had not been previously curated by ICSL or reported in the Human Gene Mutation Database (HGMD: prior to June 1st, 2018), and was therefore a candidate for classification through an automated scoring system. Utilizing variant allele frequency, disease prevalence and penetrance estimates, and inheritance mode, an automated score was calculated to assess if this variant is too frequent to cause the disease. Based on the score and internal cut-off values, a variant classified as likely benign is not then subjected to further curation. The score for this variant resulted in a classification of likely benign for this disease.

Illumina Laboratory Services, Illumina
Classification: Likely benign for Susceptibility to mononeuropathy of the median nerve, mild. Last evaluated: 2018-01-12. Review status: criteria provided, single submitter. Criteria: ICSL Variant Classification Criteria 13 December 2019. Collection method: clinical testing. Allele origin: germline.
Comment: the same text as in the submission from Illumina Laboratory Services, Illumina above.